The following is an entry in ClinVar:

NM_002439.5(MSH3):c.3104G>C (p.Ser1035Thr)

Gene: MSH3 (mutS homolog 3; plus strand). Cytogenetic location: 5q14.1.
Variant type: single nucleotide variant.
Coding change: c.3104G>C on transcript NM_002439.5 (MANE Select); coding-DNA position 3104, G replaced by C.
Protein change: p.Ser1035Thr; replaces serine 1035 with threonine.
Molecular consequence: missense variant.
Genome position (GRCh38, 1-based): chr5:80,864,916, G>C. VCF-style: chr5-80864916-G-C. GRCh37 (hg19) VCF-style: chr5-80160735-G-C.
Other names: c.3104G>C (NM_002439.3); short protein forms S1035T.
Identifiers: ClinVar variation 1401114 (VCV001401114.9), dbSNP rs763246818, ClinGen allele CA3328447.

ClinVar aggregate classification (germline): Uncertain significance. Review status: criteria provided, multiple submitters, no conflicts (2 of 4 stars). 2 submissions from 2 submitters: Uncertain significance (2). Last evaluated 2025-05-23.

Conditions:
Hereditary cancer-predisposing syndrome. Also called: Hereditary Cancer Syndrome; Hereditary neoplastic syndrome; Tumor predisposition; Neoplastic Syndromes, Hereditary. Identifiers: Orphanet 140162, MedGen C0027672, MeSH D009386, MONDO:0015356.

Allele frequency attached by ClinVar (database versions not stated): ExAC 0.00001.
gnomAD v4.1: 1 of 1,613,990 alleles (0.000062%); highest among the groups gnomAD compares: East Asian, 0.0022%; no homozygotes.

Submissions (2):

Ambry Genetics
Classification: Uncertain significance for Hereditary cancer-predisposing syndrome. Last evaluated: 2025-05-23. Review status: criteria provided, single submitter. Criteria: Ambry Variant Classification Scheme 2023. Collection method: clinical testing. Allele origin: germline.
Comment: The p.S1035T variant (also known as c.3104G>C), located in coding exon 22 of the MSH3 gene, results from a G to C substitution at nucleotide position 3104. The serine at codon 1035 is replaced by threonine, an amino acid with similar properties. This amino acid position is conserved. In addition, this alteration is predicted to be tolerated by in silico analysis. Since supporting evidence is limited at this time, the clinical significance of this alteration remains unclear.

Labcorp Genetics (formerly Invitae), Labcorp
Classification: Uncertain significance. Last evaluated: 2024-05-21. Review status: criteria provided, single submitter. Criteria: Invitae Variant Classification Sherloc (09022015). Collection method: clinical testing. Allele origin: germline.
Comment: This sequence change replaces serine, which is neutral and polar, with threonine, which is neutral and polar, at codon 1035 of the MSH3 protein (p.Ser1035Thr). This variant is present in population databases (rs763246818, gnomAD 0.02%). This variant has not been reported in the literature in individuals affected with MSH3-related conditions. ClinVar contains an entry for this variant (Variation ID: 1401114). Algorithms developed to predict the effect of missense changes on protein structure and function output the following: SIFT: "Not Available"; PolyPhen-2: "Benign"; Align-GVGD: "Not Available". The threonine amino acid residue is found in multiple mammalian species, which suggests that this missense change does not adversely affect protein function. In summary, the available evidence is currently insufficient to determine the role of this variant in disease. Therefore, it has been classified as a Variant of Uncertain Significance.